The following is an entry in ClinVar:

NM_001190737.2(NFIB):c.1423G>A (p.Val475Met)

Gene: NFIB (nuclear factor I B; minus strand). Cytogenetic location: 9p23.
Variant type: single nucleotide variant.
Coding change: c.1423G>A on transcript NM_001190737.2 (MANE Select); coding-DNA position 1423, G replaced by A.
Protein change: p.Val475Met; replaces valine 475 with methionine.
Molecular consequence: missense variant. On other transcripts: intron variant (19).
Genome position (GRCh38, 1-based): chr9:14,113,043, C>T on the plus strand (G>A on the coding strand, the complement: NFIB is on the minus strand). VCF-style: chr9-14113043-C-T. GRCh37 (hg19) VCF-style: chr9-14113042-C-T.
Other names: c.667G>A, p.Val223Met (NM_001282787.2); c.1516G>A, p.Val506Met (NM_001369458.1); c.1489G>A, p.Val497Met (NM_001369459.1); c.1438G>A, p.Val480Met (NM_001369460.1); c.1423G>A, p.Val475Met (NM_001369461.1); c.1396G>A, p.Val466Met (NM_001369465.1); c.1213G>A, p.Val405Met (NM_001369470.1); c.1245+7397G>A (NM_005596.3, NM_001369464.1); and 13 more; short protein forms V223M, V405M, V466M, V475M, V480M, V497M, V506M.
Identifiers: ClinVar variation 2631180 (VCV002631180.1), dbSNP rs1404794342, ClinGen allele CA373091170.
Genomic context (GRCh38, chr9:14,113,043, plus strand): 5'-GGTGAAACTTGCCCACCTGTTGCTGATGTAGGAAGGATGGGTCTCTTGGGCTTAGTCCCA[C>T]ATATCGATTGGCTTGAGATGTGCCTGAGGCTGTGTAGGCTGATTAAGGAAGAACAAAAAC-3'
Protein context (NP_001177666.1, residues 465-485): ASGTSQANRY[Val475Met]GLSPRDPSFL

ClinVar aggregate classification (germline): Uncertain significance (1 of 4 stars; one submission).

Conditions:
NFIB-related disorder. Also called: NFIB-related condition.

Allele frequency attached by ClinVar (database versions not stated): gnomAD 0.00001; gnomAD exomes below 0.00001; TOPMed below 0.00001.
gnomAD v4.1: 2 of 1,550,210 alleles (0.00013%); highest among the groups gnomAD compares: Non-Finnish European, 0.00017%; no homozygotes.

Submission:

PreventionGenetics, part of Exact Sciences
Classification: Uncertain significance for NFIB-related condition. Last evaluated: 2023-07-11. Review status: criteria provided, single submitter. Criteria: ACMG Guidelines, 2015. Collection method: clinical testing. Allele origin: germline.
Comment: The NFIB c.1423G>A variant is predicted to result in the amino acid substitution p.Val475Met. To our knowledge, this variant has not been reported in the literature or in a large population database, indicating this variant is rare. At this time, the clinical significance of this variant is uncertain due to the absence of conclusive functional and genetic evidence.